The following is an entry in ClinVar:

NM_014915.3(ANKRD26):c.1361A>G (p.Glu454Gly)

Gene: ANKRD26 (ankyrin repeat domain 26; minus strand). Cytogenetic location: 10p12.1.
Variant type: single nucleotide variant.
Coding change: c.1361A>G on transcript NM_014915.3 (MANE Select); coding-DNA position 1361, A replaced by G.
Protein change: p.Glu454Gly; replaces glutamic acid 454 with glycine.
Molecular consequence: missense variant.
Genome position (GRCh38, 1-based): chr10:27,063,990, T>C on the plus strand (A>G on the coding strand, the complement: ANKRD26 is on the minus strand). VCF-style: chr10-27063990-T-C. GRCh37 (hg19) VCF-style: chr10-27352919-T-C.
Other names: c.1361A>G, p.Glu454Gly (NM_001256053.2); short protein forms E454G.
Identifiers: ClinVar variation 4842372 (VCV004842372.1).

ClinVar aggregate classification (germline): Uncertain significance (1 of 4 stars; one submission).

Conditions:
Inborn genetic diseases. Identifiers: MedGen C0950123, MeSH D030342.

Submission:

Ambry Genetics
Classification: Uncertain significance for Inborn genetic diseases. Last evaluated: 2026-01-14. Review status: criteria provided, single submitter. Criteria: Ambry Variant Classification Scheme 2023. Collection method: clinical testing. Allele origin: germline.
Comment: The p.E454G variant (also known as c.1361A>G), located in coding exon 12 of the ANKRD26 gene, results from an A to G substitution at nucleotide position 1361. The glutamic acid at codon 454 is replaced by glycine, an amino acid with similar properties. This amino acid position is conserved. In addition, this alteration is predicted to be tolerated by in silico analysis. Based on the available evidence, the clinical significance of this variant remains unclear.